The following is an entry in ClinVar:

NM_002317.7(LOX):c.194A>G (p.Gln65Arg)

Genes: LOX (lysyl oxidase; minus strand), SRFBP1 (serum response factor binding protein 1; plus strand). Cytogenetic location: 5q23.1.
Variant type: single nucleotide variant.
Coding change: c.194A>G on transcript NM_002317.7 (MANE Select); coding-DNA position 194, A replaced by G.
Protein change: p.Gln65Arg; replaces glutamine 65 with arginine.
Molecular consequence: missense variant.
Genome position (GRCh38, 1-based): chr5:122,077,792, T>C on the plus strand (A>G on the coding strand, the complement: LOX is on the minus strand). VCF-style: chr5-122077792-T-C. GRCh37 (hg19) VCF-style: chr5-121413487-T-C.
Other names: short protein forms Q65R.
Identifiers: ClinVar variation 1311399 (VCV001311399.2), dbSNP rs2152591616, ClinGen allele CA360877624.

ClinVar aggregate classification (germline): Uncertain significance (1 of 4 stars; one submission).

gnomAD v4.1: 7 of 1,549,798 alleles (0.00045%); highest among the groups gnomAD compares: Non-Finnish European, 0.00043%; no homozygotes.

Submission:

GeneDx
Classification: Uncertain significance. Last evaluated: 2019-12-30. Review status: criteria provided, single submitter. Criteria: GeneDx Variant Classification Process June 2021. Collection method: clinical testing. Allele origin: germline. Affected: yes.
Comment: Has not been previously published as pathogenic or benign to our knowledge; Not observed in large population cohorts (Lek et al., 2016); In silico analysis, which includes protein predictors and evolutionary conservation, supports that this variant does not alter protein structure/function